The following is an entry in ClinVar:

ClinVar aggregate classification (germline): Uncertain significance (1 of 4 stars; one submission).

Conditions:
Early-infantile DEE. Also called: Early infantile epileptic encephalopathy with suppression bursts; Early infantile epileptic encephalopathy; Ohtahara syndrome. Identifiers: Orphanet 1934, MedGen C0393706, MONDO:0800491.

Submission:

Labcorp Genetics (formerly Invitae), Labcorp
Classification: Uncertain significance for Early-infantile DEE. Last evaluated: 2025-09-19. Review status: criteria provided, single submitter. Criteria: Invitae Variant Classification Sherloc (09022015). Collection method: clinical testing. Allele origin: germline.
Comment: This sequence change replaces histidine, which is basic and polar, with arginine, which is basic and polar, at codon 1929 of the SCN1A protein (p.His1929Arg). This variant is not present in population databases (gnomAD no frequency). This variant has not been reported in the literature in individuals affected with SCN1A-related conditions. ClinVar contains an entry for this variant (Variation ID: 1989927). Invitae Evidence Modeling of protein sequence and biophysical properties (such as structural, functional, and spatial information, amino acid conservation, physicochemical variation, residue mobility, and thermodynamic stability) has been performed for this missense variant. However, the output from this modeling did not meet the statistical confidence thresholds required to predict the impact of this variant on SCN1A protein function. In summary, the available evidence is currently insufficient to determine the role of this variant in disease. Therefore, it has been classified as a Variant of Uncertain Significance.

NM_001165963.4(SCN1A):c.5786A>G (p.His1929Arg)

Genes: SCN1A (sodium voltage-gated channel alpha subunit 1; minus strand), LOC102724058 (uncharacterized LOC102724058; plus strand). Cytogenetic location: 2q24.3.
Variant type: single nucleotide variant.
Coding change: c.5786A>G on transcript NM_001165963.4 (MANE Select); coding-DNA position 5786, A replaced by G.
Protein change: p.His1929Arg; replaces histidine 1929 with arginine.
Molecular consequence: missense variant. On other transcripts: non-coding transcript variant (1).
Genome position (GRCh38, 1-based): chr2:165,991,489, T>C on the plus strand (A>G on the coding strand, the complement: SCN1A is on the minus strand). VCF-style: chr2-165991489-T-C. GRCh37 (hg19) VCF-style: chr2-166847999-T-C.
Other names: c.5702A>G, p.His1901Arg (NM_001165964.3, NM_001353957.2, NM_001353958.2); c.5786A>G, p.His1929Arg (NM_001202435.3, NM_001353948.2); c.5753A>G, p.His1918Arg (NM_001353949.2, NM_001353950.2, NM_001353951.2 and 2 more transcripts); c.5750A>G, p.His1917Arg (NM_001353954.2, NM_001353955.2); c.5699A>G, p.His1900Arg (NM_001353960.2); c.3344A>G, p.His1115Arg (NM_001353961.2); short protein forms H1901R, H1918R, H1115R, H1917R, H1929R, H1900R.
Identifiers: ClinVar variation 1989927 (VCV001989927.4), dbSNP rs2468326273, ClinGen allele CA349063883.
Genomic context (GRCh38, chr2:165,991,489, plus strand): 5'-CCTTTGATTTTGTTTTTATTGTACGTAAAGGAAGCTTGTTTTACAGTTCGCTTTAAAAGG[T>C]GGCGTCTGTAAGCACGCTGAATAATGACAGCAGATACTTCCTCTTGTTTTCGTTTTAAAG-3'
Protein context (NP_001159435.1, residues 1919-1939): AVIIQRAYRR[His1929Arg]LLKRTVKQAS